The following is an entry in ClinVar:

NM_006432.5(NPC2):c.402A>G (p.Lys134=)

Gene: NPC2 (NPC intracellular cholesterol transporter 2; minus strand). Cytogenetic location: 14q24.3.
Variant type: single nucleotide variant.
Coding change: c.402A>G on transcript NM_006432.5 (MANE Select); coding-DNA position 402, A replaced by G.
Protein change: p.Lys134=; no amino-acid change (lysine 134 retained).
Molecular consequence: synonymous variant. On other transcripts: intron variant (1).
Genome position (GRCh38, 1-based): chr14:74,480,741, T>C on the plus strand (A>G on the coding strand, the complement: NPC2 is on the minus strand). VCF-style: chr14-74480741-T-C. GRCh37 (hg19) VCF-style: chr14-74947444-T-C.
Other names: c.402A>G, p.Lys134= (NM_001363688.1); c.364-453A>G (NM_001375440.1).
Identifiers: ClinVar variation 3054766 (VCV003054766.2), dbSNP rs2506099906, ClinGen allele CA487214116.
Genomic context (GRCh38, chr14:74,480,741, plus strand): 5'-CTCACCCCCAGATAGACTTACGATCTGTACTGGGATTTCCCAGCAGAAGAGACTTTGGTT[T>C]TTGTCATCCTGAAGTTGCCACTCCACCACCAGTTTTATCTGGAGAAAGAGAAAAATAATT-3'
Protein context (NP_006423.1, residues 124-144): LVVEWQLQDD[Lys134=]NQSLFCWEIP

ClinVar aggregate classification (germline): Likely benign (0 of 4 stars; one submission).

Conditions:
NPC2-related disorder. Also called: NPC2-related condition.

Allele frequency attached by ClinVar (database versions not stated): gnomAD exomes below 0.00001.
gnomAD v4.1: 1 of 1,614,186 alleles (0.000062%); highest among the groups gnomAD compares: African/African-American, 0.0013%; no homozygotes.

Submission:

PreventionGenetics, part of Exact Sciences
Classification: Likely benign for NPC2-related condition. Last evaluated: 2020-05-18. Review status: no assertion criteria provided. Collection method: clinical testing. Allele origin: germline.
Comment: This variant is classified as likely benign based on ACMG/AMP sequence variant interpretation guidelines (Richards et al. 2015 PMID: 25741868, with internal and published modifications).